The following is an entry in ClinVar:

NM_001447.3(FAT2):c.10678C>G (p.Pro3560Ala)

Genes: FAT2 (FAT atypical cadherin 2; minus strand), SLC36A1 (solute carrier family 36 member 1; plus strand). Cytogenetic location: 5q33.1.
Variant type: single nucleotide variant.
Coding change: c.10678C>G on transcript NM_001447.3 (MANE Select); coding-DNA position 10678, C replaced by G.
Protein change: p.Pro3560Ala; replaces proline 3560 with alanine.
Molecular consequence: missense variant.
Genome position (GRCh38, 1-based): chr5:151,521,915, G>C on the plus strand (C>G on the coding strand, the complement: FAT2 is on the minus strand). VCF-style: chr5-151521915-G-C. GRCh37 (hg19) VCF-style: chr5-150901476-G-C.
Other names: c.10678C>G (NM_001447.2); short protein forms P3560A.
Identifiers: ClinVar variation 3366677 (VCV003366677.2).
Genomic context (GRCh38, chr5:151,521,915, plus strand): 5'-CTGAGAAGTGCCTGCCCAGGGTCTCCTCTTCTGCCAGGCTATAGGTCAGCGTGTCCTGGG[G>C]GTCTCGGTCTGTGGCATGGATCTTACCCACCATGCCACCCTGGAACTCATCCTCTCCAAC-3'
Protein context (NP_001438.1, residues 3550-3570): VGKIHATDRD[Pro3560Ala]QDTLTYSLAE

ClinVar aggregate classification (germline): Uncertain significance. Review status: criteria provided, multiple submitters, no conflicts (2 of 4 stars). 2 submissions from 2 submitters: Uncertain significance (2). Last evaluated 2024-08-21.

gnomAD v4.1: 44 of 1,613,902 alleles (0.0027%); highest among the groups gnomAD compares: Admixed American, 0.032%; no homozygotes.

Submissions (2):

Women's Health and Genetics/Laboratory Corporation of America, LabCorp
Classification: Uncertain significance. Last evaluated: 2024-08-21. Review status: criteria provided, single submitter. Criteria: LabCorp Variant Classification Summary - May 2015. Collection method: clinical testing. Allele origin: germline.
Comment: Variant summary: FAT2 c.10678C>G (p.Pro3560Ala) results in a non-conservative amino acid change located in the Cadherin-like domain (IPR002126) of the encoded protein sequence. Three of five in-silico tools predict a damaging effect of the variant on protein function. The variant allele was found at a frequency of 7.6e-05 in 251034 control chromosomes, predominantly at a frequency of 0.00035 within the Latino subpopulation in the gnomAD database. This frequency is not significantly higher than estimated for a pathogenic variant in FAT2 causing Spinocerebellar Ataxia 45, allowing no conclusion about variant significance. To our knowledge, no occurrence of c.10678C>G in individuals affected with Spinocerebellar Ataxia 45 and no experimental evidence demonstrating its impact on protein function have been reported. No submitters have cited clinical-significance assessments for this variant to ClinVar. Based on the evidence outlined above, the variant was classified as uncertain significance.

Ambry Genetics
Classification: Uncertain significance. Last evaluated: 2024-07-10. Review status: criteria provided, single submitter. Criteria: Ambry Variant Classification Scheme 2023. Collection method: clinical testing. Allele origin: germline.